The following is an entry in ClinVar:

ClinVar aggregate classification (germline): Likely benign. Review status: criteria provided, multiple submitters, no conflicts (2 of 4 stars). 2 submissions from 2 submitters: Likely benign (2). Last evaluated 2026-07-27.

Conditions:
MYO7A-related disorder. Also called: MYO7A-related disorders.

Allele frequency attached by ClinVar (database versions not stated): gnomAD exomes below 0.00001 and 0.00001; ExAC 0.00001; gnomAD 0.00001; TOPMed 0.00001.
gnomAD v4.1: 12 of 1,613,864 alleles (0.00074%); highest among the groups gnomAD compares: Non-Finnish European, 0.001%; no homozygotes.

Submissions (2):

PreventionGenetics, part of Exact Sciences
Classification: Likely benign for MYO7A-related condition. Last evaluated: 2026-07-27. Review status: criteria provided, single submitter. Criteria: ACMG Guidelines, 2015. Collection method: clinical testing. Allele origin: germline.
Comment: This variant is classified as likely benign based on ACMG/AMP sequence variant interpretation guidelines (Richards et al. 2015 PMID: 25741868, with internal and published modifications).

Labcorp Genetics (formerly Invitae), Labcorp
Classification: Likely benign. Last evaluated: 2024-01-04. Review status: criteria provided, single submitter. Criteria: Invitae Variant Classification Sherloc (09022015). Collection method: clinical testing. Allele origin: germline.

NM_000260.4(MYO7A):c.6270G>C (p.Gly2090=)

Gene: MYO7A (myosin VIIA; plus strand). Cytogenetic location: 11q13.5.
Variant type: single nucleotide variant.
Coding change: c.6270G>C on transcript NM_000260.4 (MANE Select); coding-DNA position 6270, G replaced by C.
Protein change: p.Gly2090=; no amino-acid change (glycine 2090 retained).
Molecular consequence: synonymous variant.
Genome position (GRCh38, 1-based): chr11:77,211,853, G>C. VCF-style: chr11-77211853-G-C. GRCh37 (hg19) VCF-style: chr11-76922898-G-C.
Other names: c.6156G>C, p.Gly2052= (NM_001127180.2); c.6123G>C, p.Gly2041= (NM_001369365.1); c.6270G>C (NM_000260.3).
Identifiers: ClinVar variation 1593837 (VCV001593837.9), dbSNP rs757769018, ClinGen allele CA6198987.
Genomic context (GRCh38, chr11:77,211,853, plus strand): 5'-CCCAGCCCTGACCGCCCTGTCCCCATAGTCCATCGTCGCCTACTTCAACAAGCACGCAGG[G>C]AAGTCCAAGGAGGAGGCCAAGCTGGCCTTCCTGAAGCTCATCTTCAAGTGGCCCACCTTT-3'
Protein context (NP_000251.3, residues 2080-2100): SIVAYFNKHA[Gly2090=]KSKEEAKLAF